The following is an entry in ClinVar:

ClinVar aggregate classification (germline): Uncertain significance (1 of 4 stars; one submission).

Submission:

GeneDx
Classification: Uncertain significance. Last evaluated: 2023-05-30. Review status: criteria provided, single submitter. Criteria: GeneDx Variant Classification Process June 2021. Collection method: clinical testing. Allele origin: germline. Affected: yes.
Comment: Not observed at significant frequency in large population cohorts (gnomAD); In silico analysis supports that this missense variant has a deleterious effect on protein structure/function; Has not been previously published as pathogenic or benign to our knowledge

NM_004663.5(RAB11A):c.257G>T (p.Gly86Val)

Gene: RAB11A (RAB11A, member RAS oncogene family; plus strand). Cytogenetic location: 15q22.31.
Variant type: single nucleotide variant.
Coding change: c.257G>T on transcript NM_004663.5 (MANE Select); coding-DNA position 257, G replaced by T.
Protein change: p.Gly86Val; replaces glycine 86 with valine.
Molecular consequence: missense variant.
Genome position (GRCh38, 1-based): chr15:65,877,782, G>T. VCF-style: chr15-65877782-G-T. GRCh37 (hg19) VCF-style: chr15-66170120-G-T.
Other names: c.257G>T, p.Gly86Val (NM_001206836.2); short protein forms G86V.
Identifiers: ClinVar variation 3359322 (VCV003359322.1).
Genomic context (GRCh38, chr15:65,877,782, plus strand): 5'-TCTTGTGGTTTTCTGATACTAAATATGTTTCTGTTTTCAGATATTATCGTGGAGCTGTAG[G>T]TGCCTTATTGGTTTATGACATTGCTAAACATCTCACATATGAAAATGTAGAGCGATGGCT-3'
Protein context (NP_004654.1, residues 76-96): ITSAYYRGAV[Gly86Val]ALLVYDIAKH